The following is an entry in ClinVar:

ClinVar aggregate classification (germline): Likely benign. Review status: criteria provided, multiple submitters, no conflicts (2 of 4 stars). 3 submissions from 3 submitters: Likely benign (3). Last evaluated 2026-02-02.

Conditions:
CDH23-related disorder. Also called: CDH23-related disorders; CDH23-related condition.

Allele frequency attached by ClinVar (database versions not stated): ESP Exome Variant Server 0.00054; gnomAD 0.00076 and 0.00084; TOPMed 0.00076.
gnomAD v4.1: 216 of 1,613,812 alleles (0.013%); highest among the groups gnomAD compares: African/African-American, 0.25%; no homozygotes.

Submissions (3):

Labcorp Genetics (formerly Invitae), Labcorp
Classification: Likely benign. Last evaluated: 2026-02-02. Review status: criteria provided, single submitter. Criteria: Invitae Variant Classification Sherloc (09022015). Collection method: clinical testing. Allele origin: germline.

PreventionGenetics, part of Exact Sciences
Classification: Likely benign for CDH23-related condition. Last evaluated: 2025-03-11. Review status: criteria provided, single submitter. Criteria: ACMG Guidelines, 2015. Collection method: clinical testing. Allele origin: germline.
Comment: This variant is classified as likely benign based on ACMG/AMP sequence variant interpretation guidelines (Richards et al. 2015 PMID: 25741868, with internal and published modifications).

Blueprint Genetics
Classification: Likely benign. Last evaluated: 2023-06-07. Review status: criteria provided, single submitter. Criteria: ACMG Guidelines, 2015. Collection method: clinical testing. Allele origin: germline.

NM_022124.6(CDH23):c.6591G>A (p.Thr2197=)

Gene: CDH23 (cadherin related 23; plus strand). Cytogenetic location: 10q22.1.
Variant type: single nucleotide variant.
Coding change: c.6591G>A on transcript NM_022124.6 (MANE Select); coding-DNA position 6591, G replaced by A.
Protein change: p.Thr2197=; no amino-acid change (threonine 2197 retained).
Molecular consequence: synonymous variant.
Genome position (GRCh38, 1-based): chr10:71,793,519, G>A. VCF-style: chr10-71793519-G-A. GRCh37 (hg19) VCF-style: chr10-73553276-G-A.
Identifiers: ClinVar variation 735363 (VCV000735363.12), dbSNP rs376105044, ClinGen allele CA5546124.